The following is an entry in ClinVar:

NM_007194.4(CHEK2):c.1542+9A>G

Gene: CHEK2 (checkpoint kinase 2; minus strand). Cytogenetic location: 22q12.1.
Variant type: single nucleotide variant.
Coding change: c.1542+9A>G on transcript NM_007194.4 (MANE Select); 9 bases into the intron after coding-DNA position 1542, A replaced by G.
Molecular consequence: intron variant.
Genome position (GRCh38, 1-based): chr22:28,689,126, T>C on the plus strand (A>G on the coding strand, the complement: CHEK2 is on the minus strand). VCF-style: chr22-28689126-T-C. GRCh37 (hg19) VCF-style: chr22-29085114-T-C.
Other names: c.1584+9A>G (NM_001438294.1); c.879+9A>G (NM_001437942.1, NM_001257387.3); c.1341+9A>G (NM_001349956.3); c.1455+9A>G (NM_145862.3); c.1548+9A>G (NM_001438295.1); c.1635+9A>G (NM_001438293.1); c.1671+9A>G (NM_001005735.3).
Identifiers: ClinVar variation 3661518 (VCV003661518.3).

ClinVar aggregate classification (germline): Likely benign. Review status: criteria provided, multiple submitters, no conflicts (2 of 4 stars). 2 submissions from 2 submitters: Likely benign (2). Last evaluated 2024-10-08.

Conditions:
Familial cancer of breast. Also called: Hereditary breast cancer; hereditary breast carcinoma; BREAST CANCER, FAMILIAL. Identifiers: Orphanet 227535, MedGen C0346153, MONDO:0016419, OMIM 114480. Disease mechanism: loss of function.

Submissions (2):

Myriad Genetics, Inc.
Classification: Likely benign for Familial cancer of breast. Last evaluated: 2024-10-08. Review status: criteria provided, single submitter. Criteria: Myriad Autosomal Dominant, Autosomal Recessive and X-Linked Classification Criteria (2023). Collection method: clinical testing. Allele origin: unknown.
Comment: This variant is considered likely benign. This variant is intronic and is not expected to impact mRNA splicing.

Labcorp Genetics (formerly Invitae), Labcorp
Classification: Likely benign for Familial cancer of breast. Last evaluated: 2024-08-06. Review status: criteria provided, single submitter. Criteria: Invitae Variant Classification Sherloc (09022015). Collection method: clinical testing. Allele origin: germline.